The following is an entry in ClinVar:

ClinVar aggregate classification (germline): Uncertain significance. Review status: criteria provided, multiple submitters, no conflicts (2 of 4 stars). 2 submissions from 2 submitters: Uncertain significance (2). Last evaluated 2022-04-30.

Conditions:
Mendelian susceptibility to mycobacterial diseases due to partial STAT1 deficiency. Also called: IMMUNODEFICIENCY 31A, MYCOBACTERIOSIS, AUTOSOMAL DOMINANT; STAT1 DEFICIENCY, AUTOSOMAL DOMINANT; Immunodeficiency 31a. Identifiers: Orphanet 319595, MedGen C4013950, MONDO:0013956, OMIM 614892.
Immunodeficiency 31B. Also called: STAT1 DEFICIENCY, AUTOSOMAL RECESSIVE; IMMUNODEFICIENCY 31B, MYCOBACTERIAL AND VIRAL INFECTIONS, AUTOSOMAL RECESSIVE. Identifiers: Orphanet 391311, MedGen C3151088, MONDO:0013427, OMIM 613796.
Autoimmune enteropathy and endocrinopathy - susceptibility to chronic infections syndrome. Also called: Immunodeficiency 31C, autosomal dominant; Immunodeficiency 31C. Identifiers: Orphanet 391487, MedGen C3279990, MONDO:0013599, OMIM 614162.

Allele frequency attached by ClinVar (database versions not stated): gnomAD exomes below 0.00001 and 0.00001; ExAC 0.00001.
gnomAD v4.1: 5 of 1,613,400 alleles (0.00031%); highest among the groups gnomAD compares: South Asian, 0.0044%; no homozygotes.

Submissions (2):

Labcorp Genetics (formerly Invitae), Labcorp
Classification: Uncertain significance for Mendelian susceptibility to mycobacterial diseases due to partial STAT1 deficiency; Immunodeficiency 31B; Autoimmune enteropathy and endocrinopathy - susceptibility to chronic infections syndrome. Last evaluated: 2022-04-30. Review status: criteria provided, single submitter. Criteria: Invitae Variant Classification Sherloc (09022015). Collection method: clinical testing. Allele origin: germline.
Comment: In summary, the available evidence is currently insufficient to determine the role of this variant in disease. Therefore, it has been classified as a Variant of Uncertain Significance. Variants that disrupt the consensus splice site are a relatively common cause of aberrant splicing (PMID: 17576681, 9536098). Algorithms developed to predict the effect of sequence changes on RNA splicing suggest that this variant is not likely to affect RNA splicing. ClinVar contains an entry for this variant (Variation ID: 809130). This variant has not been reported in the literature in individuals affected with STAT1-related conditions. This variant is present in population databases (rs774979554, gnomAD 0.006%). This sequence change falls in intron 10 of the STAT1 gene. It does not directly change the encoded amino acid sequence of the STAT1 protein. It affects a nucleotide within the consensus splice site.

CeGaT Center for Human Genetics Tuebingen
Classification: Uncertain significance. Last evaluated: 2018-11-01. Review status: criteria provided, single submitter. Criteria: CeGaT Center For Human Genetics Tuebingen Variant Classification Criteria Version 2. Collection method: clinical testing. Allele origin: germline. Affected: yes. Observed: 1 variant allele.

Literature cited by the submitters: PubMed 17576681 (cited by Labcorp Genetics (formerly Invitae), Labcorp); PubMed 9536098 (cited by Labcorp Genetics (formerly Invitae), Labcorp).

NM_007315.4(STAT1):c.944+4A>G

Gene: STAT1 (signal transducer and activator of transcription 1; minus strand). Cytogenetic location: 2q32.2.
Variant type: single nucleotide variant.
Coding change: c.944+4A>G on transcript NM_007315.4 (MANE Select); 4 bases into the intron after coding-DNA position 944, A replaced by G.
Molecular consequence: intron variant.
Genome position (GRCh38, 1-based): chr2:190,995,057, T>C on the plus strand (A>G on the coding strand, the complement: STAT1 is on the minus strand). VCF-style: chr2-190995057-T-C. GRCh37 (hg19) VCF-style: chr2-191859783-T-C.
Other names: c.854+4A>G (NM_001384890.1); c.845+4A>G (NM_001384883.1); c.785+2799A>G (NM_001384885.1); c.944+4A>G (NM_001384887.1, NM_001384880.1, NM_001384888.1 and 4 more transcripts); c.980+4A>G (NM_001384891.1); c.950+4A>G (NM_001384884.1, NM_001384881.1).
Identifiers: ClinVar variation 809130 (VCV000809130.46), dbSNP rs774979554, ClinGen allele CA2030124.